The following is an entry in ClinVar:

ClinVar aggregate classification (germline): Uncertain significance. Review status: criteria provided, single submitter (1 of 4 stars). 2 submissions from 2 submitters: Uncertain significance (1). 1 of the submissions does not count toward it. Last evaluated 2018-03-27.

Conditions:
Microcephaly, normal intelligence and immunodeficiency (NBS). Also called: BERLIN BREAKAGE SYNDROME; Immunodeficiency, microcephaly with normal intelligence; Ataxia telangiectasia variant V1; Nijmegen breakage syndrome; Microcephaly with normal intelligence immunodeficiency and lymphoreticular malignancies; Nonsyndromal microcephaly autosomal recessive with normal intelligence. Identifiers: Orphanet 647, MedGen C0398791, MONDO:0009623, OMIM 251260.

Allele frequency attached by ClinVar (database versions not stated): gnomAD exomes below 0.00001.
gnomAD v4.1: 1 of 1,613,412 alleles (0.000062%); highest among the groups gnomAD compares: Non-Finnish European, 0.000085%; no homozygotes.

Submissions (2):

Labcorp Genetics (formerly Invitae), Labcorp
Classification: Uncertain significance for Microcephaly, normal intelligence and immunodeficiency. Last evaluated: 2018-03-27. Review status: criteria provided, single submitter. Criteria: Invitae Variant Classification Sherloc (09022015). Collection method: clinical testing. Allele origin: germline.
Comment: This sequence change replaces lysine with asparagine at codon 382 of the NBN protein (p.Lys382Asn). The lysine residue is weakly conserved and there is a moderate physicochemical difference between lysine and asparagine. In summary, the available evidence is currently insufficient to determine the role of this variant in disease. Therefore, it has been classified as a Variant of Uncertain Significance. Algorithms developed to predict the effect of missense changes on protein structure and function output the following: SIFT: "Tolerated"; PolyPhen-2: "Possibly Damaging"; Align-GVGD: "Class C0". The asparagine amino acid residue is found in multiple mammalian species, suggesting that this missense change does not adversely affect protein function. These predictions have not been confirmed by published functional studies and their clinical significance is uncertain. This variant has not been reported in the literature in individuals with NBN-related disease. This variant is not present in population databases (ExAC no frequency).

Natera, Inc.
Classification: Uncertain significance for Nijmegen breakage syndrome. Last evaluated: 2021-05-28. Review status: no assertion criteria provided. Collection method: clinical testing. Allele origin: germline. Not counted in ClinVar's aggregate classification.

NM_002485.5(NBN):c.1146A>C (p.Lys382Asn)

Gene: NBN (nibrin; minus strand). Cytogenetic location: 8q21.3.
Variant type: single nucleotide variant.
Coding change: c.1146A>C on transcript NM_002485.5 (MANE Select); coding-DNA position 1146, A replaced by C.
Protein change: p.Lys382Asn; replaces lysine 382 with asparagine.
Molecular consequence: missense variant.
Genome position (GRCh38, 1-based): chr8:89,955,534, T>G on the plus strand (A>C on the coding strand, the complement: NBN is on the minus strand). VCF-style: chr8-89955534-T-G. GRCh37 (hg19) VCF-style: chr8-90967762-T-G.
Other names: c.900A>C, p.Lys300Asn (NM_001024688.3); short protein forms K382N, K300N.
Identifiers: ClinVar variation 574118 (VCV000574118.11), dbSNP rs1554559357, ClinGen allele CA371656494.